The following is an entry in ClinVar:

NM_001372.4(DNAH9):c.1065G>A (p.Pro355=)

Gene: DNAH9 (dynein axonemal heavy chain 9; plus strand). Cytogenetic location: 17p12.
Variant type: single nucleotide variant.
Coding change: c.1065G>A on transcript NM_001372.4 (MANE Select); coding-DNA position 1065, G replaced by A.
Protein change: p.Pro355=; no amino-acid change (proline 355 retained).
Molecular consequence: synonymous variant.
Genome position (GRCh38, 1-based): chr17:11,617,571, G>A. VCF-style: chr17-11617571-G-A. GRCh37 (hg19) VCF-style: chr17-11520888-G-A.
Other names: c.1065G>A (NM_001372.3).
Identifiers: ClinVar variation 2904055 (VCV002904055.5), dbSNP rs554701984, ClinGen allele CA8394750.

ClinVar aggregate classification (germline): Likely benign. Review status: criteria provided, single submitter (1 of 4 stars). 2 submissions from 2 submitters: Likely benign (1). 1 of the submissions does not count toward it. Last evaluated 2026-01-05.

Conditions:
DNAH9-related disorder. Also called: DNAH9-related condition.

Allele frequency attached by ClinVar (database versions not stated): ExAC 0.00002; 1000 Genomes Project 0.00020; 1000 Genomes Project 30x 0.00016.
gnomAD v4.1: 64 of 1,614,068 alleles (0.004%); highest among the groups gnomAD compares: Middle Eastern, 0.017%; no homozygotes.

Submissions (2):

Labcorp Genetics (formerly Invitae), Labcorp
Classification: Likely benign. Last evaluated: 2026-01-05. Review status: criteria provided, single submitter. Criteria: Invitae Variant Classification Sherloc (09022015). Collection method: clinical testing. Allele origin: germline.

PreventionGenetics, part of Exact Sciences
Classification: Likely benign for DNAH9-related condition. Last evaluated: 2024-01-09. Review status: no assertion criteria provided. Collection method: clinical testing. Allele origin: germline. Not counted in ClinVar's aggregate classification.
Comment: This variant is classified as likely benign based on ACMG/AMP sequence variant interpretation guidelines (Richards et al. 2015 PMID: 25741868, with internal and published modifications).